The following is an entry in ClinVar:

NM_001329.4(CTBP2):c.58+11761_58+11762del

Gene: CTBP2 (C-terminal binding protein 2; minus strand). Cytogenetic location: 10q26.13.
Variant type: Deletion.
Coding change: c.58+11761_58+11762del on transcript NM_001329.4 (MANE Select); bases 11761 to 11762 of the intron after coding-DNA position 58, 2 bases deleted (AG; older notation c.58+11761_58+11762delAG).
Molecular consequence: intron variant. On other transcripts: frameshift variant (1).
Genome position (GRCh38, 1-based): chr10:125,027,235-125,027,236, CT deleted on the plus strand (AG on the coding strand, the reverse complement: CTBP2 is on the minus strand). VCF-style (leftmost placement, unchanged base first): chr10-125027234-CCT-C. GRCh37 (hg19) VCF-style: chr10-126715803-CCT-C.
Other names: c.524_525del, p.Gln175fs (NM_022802.3); c.58+11761_58+11762del (NM_001083914.3, NM_001290214.3, NM_001321012.2 and 3 more transcripts); c.524_525delAG (NM_022802.2); short protein forms Q175fs.
Identifiers: ClinVar variation 724682 (VCV000724682.6), dbSNP rs141864737, ClinGen allele CA5736509.
Genomic context (GRCh38, chr10:125,027,234, plus strand): 5'-TGTCGGGCTGCTCCCGTCCATACCGCCCGGGAGATGCAGCCCTGCTCTGTGTCTGCCGCC[CCT>C]GAGGGATCATTTTACCTCCAGGATCCCGGTACAGGTGACCGGCGTCCTGCAGGGCAGGTG-3'

ClinVar aggregate classification (germline): Likely benign. Review status: criteria provided, single submitter (1 of 4 stars). 2 submissions from 2 submitters: Likely benign (1). 1 of the submissions does not count toward it. Last evaluated 2019-12-31.

Conditions:
CTBP2-related disorder. Also called: CTBP2-related condition.

Allele frequency attached by ClinVar (database versions not stated): 1000 Genomes Project 0.00140; 1000 Genomes Project 30x 0.00141; TOPMed 0.00164; gnomAD exomes 0.00172 and 0.00221; gnomAD 0.00173 and 0.00175; ExAC 0.00211; ESP Exome Variant Server 0.00216.

Submissions (2):

Labcorp Genetics (formerly Invitae), Labcorp
Classification: Likely benign. Last evaluated: 2019-12-31. Review status: criteria provided, single submitter. Criteria: Invitae Variant Classification Sherloc (09022015). Collection method: clinical testing. Allele origin: germline.

PreventionGenetics, part of Exact Sciences
Classification: Likely benign for CTBP2-related condition. Last evaluated: 2022-05-09. Review status: no assertion criteria provided. Collection method: clinical testing. Allele origin: germline. Not counted in ClinVar's aggregate classification.
Comment: This variant is classified as likely benign based on ACMG/AMP sequence variant interpretation guidelines (Richards et al. 2015 PMID: 25741868, with internal and published modifications).